The following is an entry in ClinVar:

ClinVar aggregate classification (germline): Conflicting classifications of pathogenicity. Review status: criteria provided, conflicting classifications (1 of 4 stars). 5 submissions from 5 submitters: Uncertain significance (3); Likely benign (1). 1 of the submissions does not count toward it. Last evaluated 2026-06-24.

Conditions:
Bardet-Biedl syndrome 2 (BBS2). Identifiers: Orphanet 110, MedGen C2936863, MONDO:0014432, OMIM 615981.
Retinitis pigmentosa 74 (RP74). Identifiers: Orphanet 791, MedGen C4225281, MONDO:0014692, OMIM 616562.
BBS2-related disorder. Also called: BBS2-related condition; BBS2-related disorders. Identifiers: MedGen CN239228.
Bardet-Biedl syndrome (BBS). Identifiers: Orphanet 110, MedGen C0752166, MONDO:0015229.

Allele frequency attached by ClinVar (database versions not stated): gnomAD 0.00002; ExAC 0.00003; gnomAD exomes 0.00005 and 0.00009; ESP Exome Variant Server 0.00008; TOPMed 0.00008.
gnomAD v4.1: 145 of 1,613,886 alleles (0.009%); highest among the groups gnomAD compares: Middle Eastern, 0.016%; no homozygotes.

Submissions (5):

PreventionGenetics, part of Exact Sciences
Classification: Uncertain significance for BBS2-related condition. Last evaluated: 2026-06-24. Review status: criteria provided, single submitter. Criteria: ACMG Guidelines, 2015. Collection method: clinical testing. Allele origin: germline.
Comment: The BBS2 c.1879G>A variant is predicted to result in the amino acid substitution p.Gly627Arg. To our knowledge, this variant has not been reported in the literature. This variant is reported in 0.0093% of alleles in individuals of European (Non-Finnish) descent in gnomAD. At this time, the clinical significance of this variant is uncertain due to the absence of conclusive functional and genetic evidence.

Blueprint Genetics
Classification: Likely benign. Last evaluated: 2024-08-22. Review status: criteria provided, single submitter. Criteria: ACMG Guidelines, 2015. Collection method: clinical testing. Allele origin: germline.

Labcorp Genetics (formerly Invitae), Labcorp
Classification: Uncertain significance for Bardet-Biedl syndrome. Last evaluated: 2022-08-12. Review status: criteria provided, single submitter. Criteria: Invitae Variant Classification Sherloc (09022015). Collection method: clinical testing. Allele origin: germline.
Comment: This sequence change replaces glycine, which is neutral and non-polar, with arginine, which is basic and polar, at codon 627 of the BBS2 protein (p.Gly627Arg). This variant is present in population databases (rs149473225, gnomAD 0.01%). This variant has not been reported in the literature in individuals affected with BBS2-related conditions. ClinVar contains an entry for this variant (Variation ID: 1015292). Algorithms developed to predict the effect of missense changes on protein structure and function output the following: SIFT: "Tolerated"; PolyPhen-2: "Benign"; Align-GVGD: "Class C0". The arginine amino acid residue is found in multiple mammalian species, which suggests that this missense change does not adversely affect protein function. Algorithms developed to predict the effect of sequence changes on RNA splicing suggest that this variant may create or strengthen a splice site. In summary, the available evidence is currently insufficient to determine the role of this variant in disease. Therefore, it has been classified as a Variant of Uncertain Significance.

Fulgent Genetics
Classification: Uncertain significance for Bardet-Biedl syndrome 2; Retinitis pigmentosa 74. Last evaluated: 2021-07-09. Review status: criteria provided, single submitter. Criteria: ACMG Guidelines, 2015. Collection method: clinical testing. Allele origin: unknown.

Natera, Inc.
Classification: Uncertain significance for Bardet-Biedl syndrome type 2. Last evaluated: 2020-01-17. Review status: no assertion criteria provided. Collection method: clinical testing. Allele origin: germline. Not counted in ClinVar's aggregate classification.

NM_031885.5(BBS2):c.1879G>A (p.Gly627Arg)

Gene: BBS2 (Bardet-Biedl syndrome 2; minus strand). Cytogenetic location: 16q13.
Variant type: single nucleotide variant.
Coding change: c.1879G>A on transcript NM_031885.5 (MANE Select); coding-DNA position 1879, G replaced by A.
Protein change: p.Gly627Arg; replaces glycine 627 with arginine.
Molecular consequence: missense variant. On other transcripts: non-coding transcript variant (5).
Genome position (GRCh38, 1-based): chr16:56,496,998, C>T on the plus strand (G>A on the coding strand, the complement: BBS2 is on the minus strand). VCF-style: chr16-56496998-C-T. GRCh37 (hg19) VCF-style: chr16-56530910-C-T.
Other names: c.1879G>A (NM_031885.3); c.1879G>A, p.Gly627Arg (NM_001377456.1); short protein forms G627R.
Identifiers: ClinVar variation 1015292 (VCV001015292.7), dbSNP rs149473225, ClinGen allele CA8065601.